The following is an entry in ClinVar:

ClinVar aggregate classification (germline): Uncertain significance. Review status: criteria provided, multiple submitters, no conflicts (2 of 4 stars). 2 submissions from 2 submitters: Uncertain significance (2). Last evaluated 2022-10-25.

Submissions (2):

Labcorp Genetics (formerly Invitae), Labcorp
Classification: Uncertain significance. Last evaluated: 2022-10-25. Review status: criteria provided, single submitter. Criteria: Invitae Variant Classification Sherloc (09022015). Collection method: clinical testing. Allele origin: germline.
Comment: This variant, c.2998_3012del, results in the deletion of 5 amino acid(s) of the OBSL1 protein (p.Ile1000_Leu1004del), but otherwise preserves the integrity of the reading frame. This variant is present in population databases (rs779549572, gnomAD 0.04%), including at least one homozygous and/or hemizygous individual. This variant has not been reported in the literature in individuals affected with OBSL1-related conditions. ClinVar contains an entry for this variant (Variation ID: 1022638). Experimental studies and prediction algorithms are not available or were not evaluated, and the functional significance of this variant is currently unknown. In summary, the available evidence is currently insufficient to determine the role of this variant in disease. Therefore, it has been classified as a Variant of Uncertain Significance.

Breakthrough Genomics
Classification: Uncertain significance. Review status: criteria provided, single submitter. Criteria: ACMG Guidelines, 2015. Collection method: not provided. Allele origin: germline. Inheritance: Autosomal recessive inheritance. Affected: yes.

NM_015311.3(OBSL1):c.2998_3012del (p.Ile1000_Leu1004del)

Gene: OBSL1 (obscurin like cytoskeletal adaptor 1; minus strand). Cytogenetic location: 2q35.
Variant type: Deletion.
Coding change: c.2998_3012del on transcript NM_015311.3 (MANE Select); coding-DNA positions 2998 to 3012, 15 bases deleted (ATCGCCGTGACCTTG).
Protein change: p.Ile1000_Leu1004del.
Molecular consequence: inframe deletion.
Genome position (GRCh38, 1-based): chr2:219,559,439-219,559,453, CAAGGTCACGGCGAT deleted on the plus strand (ATCGCCGTGACCTTG on the coding strand, the reverse complement: OBSL1 is on the minus strand); deleting any 15 consecutive bases within chr2:219,559,439-219,559,462 gives the same sequence; the c. name uses the placement nearest the transcript's 3' end. VCF-style (leftmost placement, unchanged base first): chr2-219559438-CCAAGGTCACGGCGAT-C. GRCh37 (hg19) VCF-style: chr2-220424160-CCAAGGTCACGGCGAT-C.
Other names: c.2998_3012del, p.Ile1000_Leu1004del (NM_001173431.2).
Identifiers: ClinVar variation 1022638 (VCV001022638.6), dbSNP rs779549572, ClinGen allele CA2130991.
Genomic context (GRCh38, chr2:219,559,438, plus strand): 5'-CCTTGTACCAGCGCACAGGGGCATCCTCCCGAGACAGTTCACACATCAGCACCACACACT[CCAAGGTCACGGCGAT>C]CAAGGTCACCTCATCGCGAGGGTATATGATCCGCACTGGGGGTTCTGCAGGGTGGGGACA-3'